The following is an entry in ClinVar:

NM_181507.2(HPS5):c.3034dup (p.Met1012fs)

Gene: HPS5 (HPS5 biogenesis of lysosomal organelles complex 2 subunit 2; minus strand). Cytogenetic location: 11p15.1.
Variant type: Duplication.
Coding change: c.3034dup on transcript NM_181507.2 (MANE Select); coding-DNA position 3034, one base duplicated (A; older notation c.3034dupA).
Protein change: p.Met1012fs; shifts the reading frame from methionine 1012.
Molecular consequence: frameshift variant.
Genome position (GRCh38, 1-based): chr11:18,283,819, T duplicated on the plus strand (A on the coding strand, the reverse complement: HPS5 is on the minus strand). VCF-style (leftmost placement, unchanged base first): chr11-18283818-A-AT. GRCh37 (hg19) VCF-style: chr11-18305365-A-AT.
Other names: c.2692dup, p.Met898fs (NM_007216.4); c.2692dup, p.Met898Asnfs (NM_181508.2); short protein forms M1012fs, M898fs.
Identifiers: ClinVar variation 2844466 (VCV002844466.3), dbSNP rs2494414370, ClinGen allele CA2739276310.

ClinVar aggregate classification (germline): Pathogenic (1 of 4 stars; one submission).

Submission:

Labcorp Genetics (formerly Invitae), Labcorp
Classification: Pathogenic. Last evaluated: 2023-03-09. Review status: criteria provided, single submitter. Criteria: Invitae Variant Classification Sherloc (09022015). Collection method: clinical testing. Allele origin: germline.
Comment: This variant is not present in population databases (gnomAD no frequency). This variant has not been reported in the literature in individuals affected with HPS5-related conditions. For these reasons, this variant has been classified as Pathogenic. This sequence change creates a premature translational stop signal (p.Met1012Asnfs*44) in the HPS5 gene. It is expected to result in an absent or disrupted protein product. Loss-of-function variants in HPS5 are known to be pathogenic (PMID: 12548288, 15296495, 21833017, 26785811).

Literature cited by the submitters: PubMed 12548288; PubMed 15296495; PubMed 21833017; PubMed 26785811.